The following is an entry in ClinVar:

ClinVar aggregate classification (germline): Uncertain significance. Review status: criteria provided, multiple submitters, no conflicts (2 of 4 stars). 2 submissions from 2 submitters: Uncertain significance (2). Last evaluated 2026-07-03.

Conditions:
Familial focal epilepsy with variable foci (FPEVF). Identifiers: Orphanet 98820, MedGen C1858477, MONDO:0020310.
Inborn genetic diseases. Identifiers: MedGen C0950123, MeSH D030342.

Allele frequency attached by ClinVar (database versions not stated): ESP Exome Variant Server 0.00008; gnomAD exomes 0.00001; TOPMed 0.00003; gnomAD 0.00004; ExAC 0.00003.
gnomAD v4.1: 24 of 1,613,956 alleles (0.0015%); highest among the groups gnomAD compares: East Asian, 0.022%; no homozygotes.

Submissions (2):

Ambry Genetics
Classification: Uncertain significance for Inborn genetic diseases. Last evaluated: 2026-07-03. Review status: criteria provided, single submitter. Criteria: Ambry Variant Classification Scheme 2023. Collection method: clinical testing. Allele origin: germline.

Labcorp Genetics (formerly Invitae), Labcorp
Classification: Uncertain significance for Familial focal epilepsy with variable foci. Last evaluated: 2024-06-12. Review status: criteria provided, single submitter. Criteria: Invitae Variant Classification Sherloc (09022015). Collection method: clinical testing. Allele origin: germline.
Comment: This sequence change replaces arginine, which is basic and polar, with glutamine, which is neutral and polar, at codon 999 of the DEPDC5 protein (p.Arg999Gln). This variant is present in population databases (rs201245740, gnomAD 0.01%). This variant has not been reported in the literature in individuals affected with DEPDC5-related conditions. ClinVar contains an entry for this variant (Variation ID: 407347). Experimental studies and prediction algorithms are not available or were not evaluated, and the functional significance of this variant is currently unknown. In summary, the available evidence is currently insufficient to determine the role of this variant in disease. Therefore, it has been classified as a Variant of Uncertain Significance.

NM_001242896.3(DEPDC5):c.2996G>A (p.Arg999Gln)

Gene: DEPDC5 (DEP domain containing 5, GATOR1 subcomplex subunit; plus strand). Cytogenetic location: 22q12.3.
Variant type: single nucleotide variant.
Coding change: c.2996G>A on transcript NM_001242896.3 (MANE Select); coding-DNA position 2996, G replaced by A.
Protein change: p.Arg999Gln; replaces arginine 999 with glutamine.
Molecular consequence: missense variant. On other transcripts: non-coding transcript variant (5).
Genome position (GRCh38, 1-based): chr22:31,845,212, G>A. VCF-style: chr22-31845212-G-A. GRCh37 (hg19) VCF-style: chr22-32241198-G-A.
Other names: c.2969G>A, p.Arg990Gln (NM_001136029.4, NM_001369903.1, NM_014662.6); c.2762G>A, p.Arg921Gln (NM_001242897.2, NM_001363854.2, NM_001364319.2); c.2996G>A, p.Arg999Gln (NM_001363852.2, NM_001364318.2, NM_001364320.2); c.2912G>A, p.Arg971Gln (NM_001369901.1, NM_001369902.1); short protein forms R999Q, R921Q, R990Q, R971Q.
Identifiers: ClinVar variation 407347 (VCV000407347.11), dbSNP rs201245740, ClinGen allele CA10196840.